The following is an entry in ClinVar:

ClinVar aggregate classification (germline): Uncertain significance (1 of 4 stars; one submission).

gnomAD v4.1: 6 of 1,614,190 alleles (0.00037%); highest among the groups gnomAD compares: Non-Finnish European, 0.00051%; no homozygotes.

Submission:

Labcorp Genetics (formerly Invitae), Labcorp
Classification: Uncertain significance. Last evaluated: 2022-03-27. Review status: criteria provided, single submitter. Criteria: Invitae Variant Classification Sherloc (09022015). Collection method: clinical testing. Allele origin: germline.
Comment: This sequence change replaces alanine, which is neutral and non-polar, with threonine, which is neutral and polar, at codon 368 of the PTPN23 protein (p.Ala368Thr). In summary, the available evidence is currently insufficient to determine the role of this variant in disease. Therefore, it has been classified as a Variant of Uncertain Significance. Algorithms developed to predict the effect of missense changes on protein structure and function are either unavailable or do not agree on the potential impact of this missense change (SIFT: "Deleterious"; PolyPhen-2: "Not Available"; Align-GVGD: "Class C0"). This variant has not been reported in the literature in individuals affected with PTPN23-related conditions. This variant is not present in population databases (gnomAD no frequency).

NM_015466.4(PTPN23):c.1102G>A (p.Ala368Thr)

Gene: PTPN23 (protein tyrosine phosphatase non-receptor type 23; plus strand). Cytogenetic location: 3p21.31.
Variant type: single nucleotide variant.
Coding change: c.1102G>A on transcript NM_015466.4 (MANE Select); coding-DNA position 1102, G replaced by A.
Protein change: p.Ala368Thr; replaces alanine 368 with threonine.
Molecular consequence: missense variant.
Genome position (GRCh38, 1-based): chr3:47,407,795, G>A. VCF-style: chr3-47407795-G-A. GRCh37 (hg19) VCF-style: chr3-47449285-G-A.
Other names: c.724G>A, p.Ala242Thr (NM_001304482.2); short protein forms A242T, A368T.
Identifiers: ClinVar variation 2094587 (VCV002094587.3), dbSNP rs2546243264, ClinGen allele CA352550470.
Genomic context (GRCh38, chr3:47,407,795, plus strand): 5'-GACCCAGCTGTTACAGGCCCTGACATCTTTGCCAAACTGGTACCCATGGCTGCCCACGAG[G>A]CCTCGTCACTGTACAGGTGGGTGGAGGGTGGCACAGAGGGAGGTGGGGTGTCTTGAGATG-3'
Protein context (NP_056281.1, residues 358-378): AKLVPMAAHE[Ala368Thr]SSLYSEEKAK